The following is an entry in ClinVar:

ClinVar aggregate classification (germline): Uncertain significance (1 of 4 stars; one submission).

gnomAD v4.1: 3 of 1,613,810 alleles (0.00019%); highest among the groups gnomAD compares: African/African-American, 0.0027%; no homozygotes.

Submission:

Labcorp Genetics (formerly Invitae), Labcorp
Classification: Uncertain significance. Last evaluated: 2025-01-07. Review status: criteria provided, single submitter. Criteria: Invitae Variant Classification Sherloc (09022015). Collection method: clinical testing. Allele origin: germline.
Comment: This sequence change replaces methionine, which is neutral and non-polar, with valine, which is neutral and non-polar, at codon 443 of the TRIM28 protein (p.Met443Val). This variant is not present in population databases (gnomAD no frequency). This variant has not been reported in the literature in individuals affected with TRIM28-related conditions. Experimental studies and prediction algorithms are not available or were not evaluated, and the functional significance of this variant is currently unknown. In summary, the available evidence is currently insufficient to determine the role of this variant in disease. Therefore, it has been classified as a Variant of Uncertain Significance.

NM_005762.3(TRIM28):c.1327A>G (p.Met443Val)

Gene: TRIM28 (tripartite motif containing 28; plus strand). Cytogenetic location: 19q13.43.
Variant type: single nucleotide variant.
Coding change: c.1327A>G on transcript NM_005762.3 (MANE Select); coding-DNA position 1327, A replaced by G.
Protein change: p.Met443Val; replaces methionine 443 with valine.
Molecular consequence: missense variant.
Genome position (GRCh38, 1-based): chr19:58,548,743, A>G. VCF-style: chr19-58548743-A-G. GRCh37 (hg19) VCF-style: chr19-59060110-A-G.
Other names: short protein forms M443V.
Identifiers: ClinVar variation 3713710 (VCV003713710.2).